The following is an entry in ClinVar:

ClinVar aggregate classification (germline): Uncertain significance (1 of 4 stars; one submission).

Conditions:
Charcot-Marie-Tooth disease axonal type 2O. Also called: CHARCOT-MARIE-TOOTH NEUROPATHY, AXONAL, TYPE 2O; CHARCOT-MARIE-TOOTH DISEASE, AXONAL, AUTOSOMAL DOMINANT, TYPE 2O; Charcot-Marie-Tooth Neuropathy Type 2O; Charcot-Marie-Tooth disease, axonal, type 20. Identifiers: Orphanet 284232, MedGen C3280220, MONDO:0013644, OMIM 614228.

Allele frequency attached by ClinVar (database versions not stated): gnomAD exomes below 0.00001.
gnomAD v4.1: 1 of 1,604,300 alleles (0.000062%); no homozygotes.

Submission:

Labcorp Genetics (formerly Invitae), Labcorp
Classification: Uncertain significance for Charcot-Marie-Tooth disease axonal type 2O. Last evaluated: 2021-10-12. Review status: criteria provided, single submitter. Criteria: Invitae Variant Classification Sherloc (09022015). Collection method: clinical testing. Allele origin: germline.
Comment: In summary, the available evidence is currently insufficient to determine the role of this variant in disease. Therefore, it has been classified as a Variant of Uncertain Significance. Advanced modeling of protein sequence and biophysical properties (such as structural, functional, and spatial information, amino acid conservation, physicochemical variation, residue mobility, and thermodynamic stability) performed at Invitae indicates that this missense variant is not expected to disrupt DYNC1H1 protein function. This variant has not been reported in the literature in individuals affected with DYNC1H1-related conditions. This variant is not present in population databases (ExAC no frequency). This sequence change replaces valine with leucine at codon 38 of the DYNC1H1 protein (p.Val38Leu). The valine residue is moderately conserved and there is a small physicochemical difference between valine and leucine.

NM_001376.5(DYNC1H1):c.112G>C (p.Val38Leu)

Gene: DYNC1H1 (dynein cytoplasmic 1 heavy chain 1; plus strand). Cytogenetic location: 14q32.31.
Variant type: single nucleotide variant.
Coding change: c.112G>C on transcript NM_001376.5 (MANE Select); coding-DNA position 112, G replaced by C.
Protein change: p.Val38Leu; replaces valine 38 with leucine.
Molecular consequence: missense variant.
Genome position (GRCh38, 1-based): chr14:101,964,803, G>C. VCF-style: chr14-101964803-G-C. GRCh37 (hg19) VCF-style: chr14-102431140-G-C.
Other names: short protein forms V38L.
Identifiers: ClinVar variation 1524698 (VCV001524698.6), dbSNP rs2141258546, ClinGen allele CA391003306.